The following is an entry in ClinVar:

ClinVar aggregate classification (germline): Pathogenic (1 of 4 stars; one submission).

Conditions:
Glaucoma 3A. Also called: Glaucoma 3, primary congenital, A. Identifiers: Orphanet 98976, Orphanet 98977, MedGen C1856439, MONDO:0009277, OMIM 231300.

Submission:

DBGen Ocular Genomics
Classification: Pathogenic for Glaucoma 3A. Last evaluated: 2023-01-01. Review status: criteria provided, single submitter. Criteria: ACMG Guidelines, 2015. Collection method: clinical testing. Allele origin: unknown. Inheritance: Autosomal recessive inheritance. Affected: yes.
Comment: Class 5 ACMG Guidelines, 2015

NM_015692.5(CPAMD8):c.3798_3861+1759del

Gene: CPAMD8 (C3 and PZP like alpha-2-macroglobulin domain containing 8; minus strand). Cytogenetic location: 19p13.11.
Variant type: Deletion.
Coding change: c.3798_3861+1759del on transcript NM_015692.5 (MANE Select); coding-DNA position 3798 through 1759 bases into the intron after coding-DNA position 3861, 1,823 bases deleted.
Molecular consequence: splice acceptor variant, splice donor variant.
Genome position (GRCh38, 1-based): chr19:16,912,665-16,914,487, 1,823 bases deleted. GRCh37 (hg19): chr19:17,023,504-17,025,326.
Identifiers: ClinVar variation 2628067 (VCV002628067.2), ClinGen allele CA2695198160.